The following is an entry in ClinVar:

ClinVar aggregate classification (germline): Benign (1 of 4 stars; one submission).

Submission:

Mayo Clinic Laboratories, Mayo Clinic
Classification: Benign. Last evaluated: 2024-02-16. Review status: criteria provided, single submitter. Criteria: ACMG Guidelines, 2015. Collection method: clinical testing. Allele origin: germline. Observed: 4 variant alleles.
Comment: BS1, BS2, BP4, BP7

Literature cited by the submitters: PubMed 20004041; PubMed 20044296; PubMed 20641165; PubMed 22115759.

NM_001103146.3(GIGYF2):c.297T>C (p.Ala99=)

Gene: GIGYF2 (GRB10 interacting GYF protein 2; plus strand). Cytogenetic location: 2q37.1.
Variant type: single nucleotide variant.
Coding change: c.297T>C on transcript NM_001103146.3 (MANE Select); coding-DNA position 297, T replaced by C.
Protein change: p.Ala99=; no amino-acid change (alanine 99 retained).
Molecular consequence: synonymous variant. On other transcripts: non-coding transcript variant (1).
Genome position (GRCh38, 1-based): chr2:232,756,252, T>C. VCF-style: chr2-232756252-T-C. GRCh37 (hg19) VCF-style: chr2-233620962-T-C.
Other names: p.Ala99=; c.297T>C, p.Ala99= (NM_001103147.2, NM_001103148.2, NM_015575.4).
Identifiers: ClinVar variation 4684661 (VCV004684661.1).